The following is an entry in ClinVar:

NM_004958.4(MTOR):c.6690A>G (p.Leu2230=)

Gene: MTOR (mechanistic target of rapamycin kinase; minus strand). Cytogenetic location: 1p36.22.
Variant type: single nucleotide variant.
Coding change: c.6690A>G on transcript NM_004958.4 (MANE Select); coding-DNA position 6690, A replaced by G.
Protein change: p.Leu2230=; no amino-acid change (leucine 2230 retained).
Molecular consequence: synonymous variant.
Genome position (GRCh38, 1-based): chr1:11,122,099, T>C on the plus strand (A>G on the coding strand, the complement: MTOR is on the minus strand). VCF-style: chr1-11122099-T-C. GRCh37 (hg19) VCF-style: chr1-11182156-T-C.
Identifiers: ClinVar variation 730341 (VCV000730341.12), dbSNP rs1570927898, ClinGen allele CA415919497.
Genomic context (GRCh38, chr1:11,122,099, plus strand): 5'-GATGAGGGCGTGCAGTGTGTCACAGTGGGGAACCCAGCCAATGAGGCCCGAGTTGGTCGA[T>C]AAAGGGATGACAGCGTATCTCTGGATGCTGGCGCCCACAGAAAAGCAGGGTTAGTGTACC-3'
Protein context (NP_004949.1, residues 2220-2240): LSIQRYAVIP[Leu2230=]STNSGLIGWV

ClinVar aggregate classification (germline): Likely benign. Review status: criteria provided, multiple submitters, no conflicts (2 of 4 stars). 2 submissions from 2 submitters: Likely benign (2). Last evaluated 2026-05-01.

Allele frequency attached by ClinVar (database versions not stated): TOPMed below 0.00001; gnomAD 0.00001.
gnomAD v4.1: 2 of 1,614,092 alleles (0.00012%); highest among the groups gnomAD compares: Admixed American, 0.0033%; no homozygotes.

Submissions (2):

CeGaT Center for Human Genetics Tuebingen
Classification: Likely benign. Last evaluated: 2026-05-01. Review status: criteria provided, single submitter. Criteria: CeGaT Center For Human Genetics Tuebingen Variant Classification Criteria Version 2. Collection method: clinical testing. Allele origin: germline. Affected: yes. Observed: 1 variant allele.
Comment: MTOR: BP4, BP7

Labcorp Genetics (formerly Invitae), Labcorp
Classification: Likely benign. Last evaluated: 2025-08-14. Review status: criteria provided, single submitter. Criteria: Invitae Variant Classification Sherloc (09022015). Collection method: clinical testing. Allele origin: germline.